The following is an entry in ClinVar:

ClinVar aggregate classification (germline): Uncertain significance. Review status: criteria provided, single submitter (1 of 4 stars). 2 submissions from 2 submitters: Uncertain significance (1). 1 of the submissions does not count toward it. Last evaluated 2025-07-07.

Conditions:
PTDSS1-related disorder. Also called: PTDSS1-related condition.

Allele frequency attached by ClinVar (database versions not stated): gnomAD 0.00001; gnomAD exomes 0.00001 and 0.00002; ExAC 0.00002; TOPMed 0.00002.
gnomAD v4.1: 8 of 1,586,900 alleles (0.0005%); highest among the groups gnomAD compares: Admixed American, 0.013%; no homozygotes.

Submissions (2):

Labcorp Genetics (formerly Invitae), Labcorp
Classification: Uncertain significance. Last evaluated: 2025-07-07. Review status: criteria provided, single submitter. Criteria: Invitae Variant Classification Sherloc (09022015). Collection method: clinical testing. Allele origin: germline.
Comment: This sequence change falls in intron 1 of the PTDSS1 gene. It does not directly change the encoded amino acid sequence of the PTDSS1 protein. It affects a nucleotide within the consensus splice site. This variant is present in population databases (rs761332437, gnomAD 0.02%). This variant has not been reported in the literature in individuals affected with PTDSS1-related conditions. ClinVar contains an entry for this variant (Variation ID: 1441319). Variants that disrupt the consensus splice site are a relatively common cause of aberrant splicing (PMID: 17576681, 9536098). Algorithms developed to predict the effect of sequence changes on RNA splicing suggest that this variant is not likely to affect RNA splicing. In summary, the available evidence is currently insufficient to determine the role of this variant in disease. Therefore, it has been classified as a Variant of Uncertain Significance.

PreventionGenetics, part of Exact Sciences
Classification: Likely benign for PTDSS1-related condition. Last evaluated: 2024-09-17. Review status: no assertion criteria provided. Collection method: clinical testing. Allele origin: germline. Not counted in ClinVar's aggregate classification.
Comment: This variant is classified as likely benign based on ACMG/AMP sequence variant interpretation guidelines (Richards et al. 2015 PMID: 25741868, with internal and published modifications).

Literature cited by the submitters: PubMed 17576681 (cited by Labcorp Genetics (formerly Invitae), Labcorp); PubMed 9536098 (cited by Labcorp Genetics (formerly Invitae), Labcorp).

NM_014754.3(PTDSS1):c.180-3C>T

Gene: PTDSS1 (phosphatidylserine synthase 1; plus strand). Cytogenetic location: 8q22.1.
Variant type: single nucleotide variant.
Coding change: c.180-3C>T on transcript NM_014754.3 (MANE Select); 3 bases into the intron before coding-DNA position 180, C replaced by T.
Molecular consequence: intron variant.
Genome position (GRCh38, 1-based): chr8:96,273,296, C>T. VCF-style: chr8-96273296-C-T. GRCh37 (hg19) VCF-style: chr8-97285524-C-T.
Other names: c.180-3C>T (NM_014754.2); c.-89-3C>T (NM_001290225.2).
Identifiers: ClinVar variation 1441319 (VCV001441319.7), dbSNP rs761332437, ClinGen allele CA4816504.